The following is an entry in ClinVar:

ClinVar aggregate classification (germline): Conflicting classifications of pathogenicity. Review status: criteria provided, conflicting classifications (1 of 4 stars). 3 submissions from 3 submitters: Uncertain significance (1); Likely benign (1). 1 of the submissions does not count toward it. Last evaluated 2024-01-24.

Conditions:
CHRNG-related disorder. Also called: CHRNG-related disorders; CHRNG-related condition.
Lethal multiple pterygium syndrome (LMPS). Identifiers: Orphanet 33108, MedGen C1854678, MONDO:0009668, OMIM 253290.

Allele frequency attached by ClinVar (database versions not stated): ExAC 0.00001; gnomAD exomes 0.00001 and 0.00004; gnomAD 0.00002; TOPMed 0.00002.
gnomAD v4.1: 55 of 1,614,028 alleles (0.0034%); highest among the groups gnomAD compares: Non-Finnish European, 0.0046%; no homozygotes.

Submissions (3):

Labcorp Genetics (formerly Invitae), Labcorp
Classification: Likely benign. Last evaluated: 2024-01-24. Review status: criteria provided, single submitter. Criteria: Invitae Variant Classification Sherloc (09022015). Collection method: clinical testing. Allele origin: germline.

Illumina Laboratory Services, Illumina
Classification: Uncertain significance for Lethal multiple pterygium syndrome. Last evaluated: 2018-01-12. Review status: criteria provided, single submitter. Criteria: ICSL Variant Classification Criteria 13 December 2019. Collection method: clinical testing. Allele origin: germline.

PreventionGenetics, part of Exact Sciences
Classification: Likely benign for CHRNG-related condition. Last evaluated: 2024-04-02. Review status: no assertion criteria provided. Collection method: clinical testing. Allele origin: germline. Not counted in ClinVar's aggregate classification.
Comment: This variant is classified as likely benign based on ACMG/AMP sequence variant interpretation guidelines (Richards et al. 2015 PMID: 25741868, with internal and published modifications).

NM_005199.5(CHRNG):c.57G>C (p.Gly19=)

Gene: CHRNG (cholinergic receptor nicotinic gamma subunit; plus strand). Cytogenetic location: 2q37.1.
Variant type: single nucleotide variant.
Coding change: c.57G>C on transcript NM_005199.5 (MANE Select); coding-DNA position 57, G replaced by C.
Protein change: p.Gly19=; no amino-acid change (glycine 19 retained).
Molecular consequence: synonymous variant.
Genome position (GRCh38, 1-based): chr2:232,539,993, G>C. VCF-style: chr2-232539993-G-C. GRCh37 (hg19) VCF-style: chr2-233404703-G-C.
Identifiers: ClinVar variation 334998 (VCV000334998.10), dbSNP rs753421728, ClinGen allele CA2168489.